The following is an entry in ClinVar:

ClinVar aggregate classification (germline): Uncertain significance (1 of 4 stars; one submission).

Conditions:
Neurofibromatosis, type 2 (SWNV). Also called: BILATERAL ACOUSTIC NEUROFIBROMATOSIS; SCHWANNOMATOSIS, VESTIBULAR; NF2-Related Schwannomatosis. Identifiers: Orphanet 637, MedGen C0027832, MONDO:0007039, OMIM 101000. Disease mechanism: loss of function.

gnomAD v4.1: 1 of 1,614,206 alleles (0.000062%); highest among the groups gnomAD compares: Non-Finnish European, 0.000085%; no homozygotes.

Submission:

Labcorp Genetics (formerly Invitae), Labcorp
Classification: Uncertain significance for Neurofibromatosis, type 2. Last evaluated: 2024-08-31. Review status: criteria provided, single submitter. Criteria: Invitae Variant Classification Sherloc (09022015). Collection method: clinical testing. Allele origin: germline.
Comment: This sequence change replaces leucine, which is neutral and non-polar, with valine, which is neutral and non-polar, at codon 551 of the NF2 protein (p.Leu551Val). This variant is not present in population databases (gnomAD no frequency). This variant has not been reported in the literature in individuals affected with NF2-related conditions. Invitae Evidence Modeling of protein sequence and biophysical properties (such as structural, functional, and spatial information, amino acid conservation, physicochemical variation, residue mobility, and thermodynamic stability) indicates that this missense variant is not expected to disrupt NF2 protein function with a negative predictive value of 80%. In summary, the available evidence is currently insufficient to determine the role of this variant in disease. Therefore, it has been classified as a Variant of Uncertain Significance.

NM_000268.4(NF2):c.1651C>G (p.Leu551Val)

Gene: NF2 (NF2, moesin-ezrin-radixin like (MERLIN) tumor suppressor; plus strand). Cytogenetic location: 22q12.2.
Variant type: single nucleotide variant.
Coding change: c.1651C>G on transcript NM_000268.4 (MANE Select); coding-DNA position 1651, C replaced by G.
Protein change: p.Leu551Val; replaces leucine 551 with valine.
Molecular consequence: missense variant. On other transcripts: intron variant (3).
Genome position (GRCh38, 1-based): chr22:29,681,515, C>G. VCF-style: chr22-29681515-C-G. GRCh37 (hg19) VCF-style: chr22-30077504-C-G.
Other names: c.1516C>G, p.Leu506Val (NM_001407059.1, NM_001407057.1); c.1393C>G, p.Leu465Val (NM_001407062.1); c.1402C>G, p.Leu468Val (NM_001407063.1, NM_181830.3, NM_181831.3); c.1117C>G, p.Leu373Val (NM_001407065.1); c.1651C>G, p.Leu551Val (NM_001407066.1, NM_016418.5, NM_181825.3 and 1 more transcripts); c.1420C>G, p.Leu474Val (NM_001407067.1); c.1525C>G, p.Leu509Val (NM_181828.3, NM_001407055.1); c.1537C>G, p.Leu513Val (NM_001407053.1, NM_001407056.1); and 4 more; short protein forms L465V, L474V, L551V, L373V, L506V, L510V, L468V, L509V.
Identifiers: ClinVar variation 3663845 (VCV003663845.2).